The following is an entry in ClinVar:

NM_130837.3(OPA1):c.3010C>G (p.Leu1004Val)

Gene: OPA1 (OPA1 mitochondrial dynamin like GTPase; plus strand). Cytogenetic location: 3q29.
Variant type: single nucleotide variant.
Coding change: c.3010C>G on transcript NM_130837.3 (MANE Select); coding-DNA position 3010, C replaced by G.
Protein change: p.Leu1004Val; replaces leucine 1004 with valine.
Molecular consequence: missense variant.
Genome position (GRCh38, 1-based): chr3:193,692,089, C>G. VCF-style: chr3-193692089-C-G. GRCh37 (hg19) VCF-style: chr3-193409878-C-G.
Other names: c.2476C>G, p.Leu826Val (NM_001354663.2); c.2473C>G, p.Leu825Val (NM_001354664.2); c.2845C>G, p.Leu949Val (NM_015560.3); c.2737C>G, p.Leu913Val (NM_130831.3); c.2791C>G, p.Leu931Val (NM_130832.3); c.2848C>G, p.Leu950Val (NM_130833.3); c.2899C>G, p.Leu967Val (NM_130834.3); c.2902C>G, p.Leu968Val (NM_130835.3); and 1 more; short protein forms L967V, L931V, L949V, L825V, L826V, L913V, L950V, L968V.
Identifiers: ClinVar variation 2879552 (VCV002879552.3), dbSNP rs747237694, ClinGen allele CA2759852.

ClinVar aggregate classification (germline): Uncertain significance (1 of 4 stars; one submission).

gnomAD v4.1: 6 of 1,551,374 alleles (0.00039%); highest among the groups gnomAD compares: Non-Finnish European, 0.00053%; no homozygotes.

Submission:

Labcorp Genetics (formerly Invitae), Labcorp
Classification: Uncertain significance. Last evaluated: 2023-11-11. Review status: criteria provided, single submitter. Criteria: Invitae Variant Classification Sherloc (09022015). Collection method: clinical testing. Allele origin: germline.
Comment: This sequence change replaces leucine, which is neutral and non-polar, with valine, which is neutral and non-polar, at codon 949 of the OPA1 protein (p.Leu949Val). This variant is not present in population databases (gnomAD no frequency). This variant has not been reported in the literature in individuals affected with OPA1-related conditions. Advanced modeling of protein sequence and biophysical properties (such as structural, functional, and spatial information, amino acid conservation, physicochemical variation, residue mobility, and thermodynamic stability) performed at Invitae indicates that this missense variant is expected to disrupt OPA1 protein function with a positive predictive value of 80%. In summary, the available evidence is currently insufficient to determine the role of this variant in disease. Therefore, it has been classified as a Variant of Uncertain Significance.